The following is an entry in ClinVar:

NM_001165963.4(SCN1A):c.3329G>C (p.Ser1110Thr)

Genes: SCN1A (sodium voltage-gated channel alpha subunit 1; minus strand), LOC102724058 (uncharacterized LOC102724058; plus strand). Cytogenetic location: 2q24.3.
Variant type: single nucleotide variant.
Coding change: c.3329G>C on transcript NM_001165963.4 (MANE Select); coding-DNA position 3329, G replaced by C.
Protein change: p.Ser1110Thr; replaces serine 1110 with threonine.
Molecular consequence: missense variant. On other transcripts: non-coding transcript variant (2).
Genome position (GRCh38, 1-based): chr2:166,036,148, C>G on the plus strand (G>C on the coding strand, the complement: SCN1A is on the minus strand). VCF-style: chr2-166036148-C-G. GRCh37 (hg19) VCF-style: chr2-166892658-C-G.
Other names: c.3329G>C (NM_001165963.3); c.3245G>C, p.Ser1082Thr (NM_001165964.3, NM_001353957.2, NM_001353958.2); c.3329G>C, p.Ser1110Thr (NM_001202435.3, NM_001353948.2); c.3296G>C, p.Ser1099Thr (NM_001353949.2, NM_001353950.2, NM_001353951.2 and 2 more transcripts); c.3293G>C, p.Ser1098Thr (NM_001353954.2, NM_001353955.2); c.3242G>C, p.Ser1081Thr (NM_001353960.2); c.887G>C, p.Ser296Thr (NM_001353961.2); short protein forms S1081T, S1098T, S1110T, S1082T, S1099T, S296T.
Identifiers: ClinVar variation 969945 (VCV000969945.47), dbSNP rs528170959, ClinGen allele CA1942989.

ClinVar aggregate classification (germline): Uncertain significance. Review status: criteria provided, multiple submitters, no conflicts (2 of 4 stars). 4 submissions from 4 submitters: Uncertain significance (4). Last evaluated 2024-11-27.

Conditions:
Generalized epilepsy with febrile seizures plus, type 2 (GEFSP2). Also called: GEFS+, TYPE 2. Identifiers: Orphanet 36387, MedGen C1858673, MONDO:0011461, OMIM 604403.
Early-infantile DEE. Also called: Early infantile epileptic encephalopathy with suppression bursts; Early infantile epileptic encephalopathy; Ohtahara syndrome. Identifiers: Orphanet 1934, MedGen C0393706, MONDO:0800491.

Submissions (4):

Revvity Omics, Revvity
Classification: Uncertain significance. Last evaluated: 2024-11-27. Review status: criteria provided, single submitter. Criteria: ACMG Guidelines, 2015. Collection method: clinical testing. Allele origin: germline.

Labcorp Genetics (formerly Invitae), Labcorp
Classification: Uncertain significance for Early-infantile DEE. Last evaluated: 2022-10-25. Review status: criteria provided, single submitter. Criteria: Invitae Variant Classification Sherloc (09022015). Collection method: clinical testing. Allele origin: germline.
Comment: This variant has not been reported in the literature in individuals affected with SCN1A-related conditions. Algorithms developed to predict the effect of missense changes on protein structure and function (SIFT, PolyPhen-2, Align-GVGD) all suggest that this variant is likely to be disruptive. ClinVar contains an entry for this variant (Variation ID: 969945). This variant is present in population databases (rs528170959, gnomAD 0.02%). This sequence change replaces serine, which is neutral and polar, with threonine, which is neutral and polar, at codon 1110 of the SCN1A protein (p.Ser1110Thr). In summary, the available evidence is currently insufficient to determine the role of this variant in disease. Therefore, it has been classified as a Variant of Uncertain Significance.

CeGaT Center for Human Genetics Tuebingen
Classification: Uncertain significance. Last evaluated: 2022-05-01. Review status: criteria provided, single submitter. Criteria: CeGaT Center For Human Genetics Tuebingen Variant Classification Criteria Version 2. Collection method: clinical testing. Allele origin: germline. Affected: yes. Observed: 2 variant alleles.
Comment: SCN1A: PP2, PP3

Neuberg Centre For Genomic Medicine, NCGM
Classification: Uncertain significance for Generalized epilepsy with febrile seizures plus, type 2. Review status: criteria provided, single submitter. Criteria: ACMG Guidelines, 2015. Collection method: clinical testing. Allele origin: germline. Affected: yes.
Comment: The missense variant p.S1110T in SCN1A (NM_001165963.4) has been submitted to the ClinVar database as a variant of uncertain significance. It has not been reported amongst affected individuals in literature. The missense variant c.3329G>C (p.S1110T) in SCN1A (NM_001165963.4) is observed in 5/30608 (0.0163%) alleles from individuals of South Asian background in the gnomAD dataset (Exome Aggregation Consortium et al., 2016). The p.S1110T missense variant is predicted to be damaging by both SIFT and PolyPhen2. The serine residue at codon 1110 of SCN1A is conserved in all mammalian species. The nucleotide c.3329 in SCN1A is predicted conserved by GERP++ and PhyloP across 100 vertebrates. For these reasons, this variant has been classified as Uncertain Significance.